The following is an entry in ClinVar:

NM_000540.3(RYR1):c.13281C>G (p.His4427Gln)

Genes: RYR1 (ryanodine receptor 1; plus strand), LOC130064357 (ATAC-STARR-seq lymphoblastoid silent region 10577; plus strand). Cytogenetic location: 19q13.2.
Variant type: single nucleotide variant.
Coding change: c.13281C>G on transcript NM_000540.3 (MANE Select); coding-DNA position 13281, C replaced by G.
Protein change: p.His4427Gln; replaces histidine 4427 with glutamine.
Molecular consequence: missense variant.
Genome position (GRCh38, 1-based): chr19:38,565,615, C>G. VCF-style: chr19-38565615-C-G. GRCh37 (hg19) VCF-style: chr19-39056255-C-G.
Other names: c.13266C>G, p.His4422Gln (NM_001042723.2); short protein forms H4427Q, H4422Q.
Identifiers: ClinVar variation 930581 (VCV000930581.4), dbSNP rs1396461166, ClinGen allele CA405674757.

ClinVar aggregate classification (germline): Uncertain significance. Review status: criteria provided, multiple submitters, no conflicts (2 of 4 stars). 2 submissions from 2 submitters: Uncertain significance (2). Last evaluated 2025-04-28.

Conditions:
Congenital myopathy with fiber type disproportion. Also called: Congenital fiber-type disproportion; Congenital fiber-type disproportion myopathy. Identifiers: Orphanet 2020, MedGen C0546264, MONDO:0009711. Inheritance: all.

Submissions (2):

GeneDx
Classification: Uncertain significance. Last evaluated: 2025-04-28. Review status: criteria provided, single submitter. Criteria: GeneDx Variant Classification Process June 2021. Collection method: clinical testing. Allele origin: germline. Affected: yes.
Comment: Not observed at significant frequency in large population cohorts (gnomAD); In silico analysis indicates that this missense variant does not alter protein structure/function; Has not been previously published as pathogenic or benign to our knowledge

Centre for Mendelian Genomics, University Medical Centre Ljubljana
Classification: Uncertain significance for Congenital myopathy 4A, autosomal dominant. Last evaluated: 2019-10-01. Review status: criteria provided, single submitter. Criteria: ACMG Guidelines, 2015. Collection method: clinical testing. Allele origin: unknown. Affected: yes.
Comment: This variant was classified as: Uncertain significance. The available evidence on this variant's pathogenicity is insufficient or conflicting. The following ACMG criteria were applied in classifying this variant: PM2,BP4.